The following is an entry in ClinVar:

NM_032575.3(GLIS2):c.1273G>A (p.Gly425Arg)

Gene: GLIS2 (GLIS family zinc finger 2; plus strand). Cytogenetic location: 16p13.3.
Variant type: single nucleotide variant.
Coding change: c.1273G>A on transcript NM_032575.3 (MANE Select); coding-DNA position 1273, G replaced by A.
Protein change: p.Gly425Arg; replaces glycine 425 with arginine.
Molecular consequence: missense variant.
Genome position (GRCh38, 1-based): chr16:4,337,222, G>A. VCF-style: chr16-4337222-G-A. GRCh37 (hg19) VCF-style: chr16-4387223-G-A.
Other names: c.1273G>A, p.Gly425Arg (NM_001318918.2); short protein forms G425R.
Identifiers: ClinVar variation 531627 (VCV000531627.9), dbSNP rs199849300, ClinGen allele CA7873227.

ClinVar aggregate classification (germline): Uncertain significance. Review status: criteria provided, multiple submitters, no conflicts (2 of 4 stars). 3 submissions from 3 submitters: Uncertain significance (3). Last evaluated 2024-08-27.

Conditions:
Nephronophthisis 7 (NPHP7). Identifiers: Orphanet 655, MedGen C1969092, MONDO:0012680, OMIM 611498.
Nephronophthisis. Also called: Juvenile Nephronophthisis. Identifiers: Orphanet 655, MedGen C0687120, MONDO:0019005, HP:0000090.

Allele frequency attached by ClinVar (database versions not stated): TOPMed 0.00008; gnomAD 0.00009; gnomAD exomes 0.00010 and 0.00018; ExAC 0.00021; 1000 Genomes Project 0.00060; 1000 Genomes Project 30x 0.00062.
gnomAD v4.1: 255 of 1,547,650 alleles (0.016%); highest among the groups gnomAD compares: East Asian, 0.037%; no homozygotes.

Submissions (3):

GeneDx
Classification: Uncertain significance. Last evaluated: 2024-08-27. Review status: criteria provided, single submitter. Criteria: GeneDx Variant Classification Process June 2021. Collection method: clinical testing. Allele origin: germline. Affected: yes.
Comment: In silico analysis indicates that this missense variant does not alter protein structure/function; Has not been previously published as pathogenic or benign to our knowledge

Fulgent Genetics
Classification: Uncertain significance for Nephronophthisis 7. Last evaluated: 2024-05-25. Review status: criteria provided, single submitter. Criteria: ACMG Guidelines, 2015. Collection method: clinical testing. Allele origin: germline.

Labcorp Genetics (formerly Invitae), Labcorp
Classification: Uncertain significance for Nephronophthisis. Last evaluated: 2021-08-30. Review status: criteria provided, single submitter. Criteria: Invitae Variant Classification Sherloc (09022015). Collection method: clinical testing. Allele origin: germline.
Comment: This sequence change replaces glycine with arginine at codon 425 of the GLIS2 protein (p.Gly425Arg). The glycine residue is highly conserved and there is a moderate physicochemical difference between glycine and arginine. While this variant is present in population databases (rs199849300), the frequency information is unreliable, as metrics indicate poor data quality at this position in the ExAC database. This variant has not been reported in the literature in individuals affected with GLIS2-related conditions. Algorithms developed to predict the effect of sequence changes on RNA splicing suggest that this variant may create or strengthen a splice site. In summary, the available evidence is currently insufficient to determine the role of this variant in disease. Therefore, it has been classified as a Variant of Uncertain Significance.